The following is an entry in ClinVar:

NM_000434.4(NEU1):c.644T>C (p.Leu215Pro)

Gene: NEU1 (neuraminidase 1; minus strand). Cytogenetic location: 6p21.33.
Variant type: single nucleotide variant.
Coding change: c.644T>C on transcript NM_000434.4 (MANE Select); coding-DNA position 644, T replaced by C.
Protein change: p.Leu215Pro; replaces leucine 215 with proline.
Molecular consequence: missense variant.
Genome position (GRCh38, 1-based): chr6:31,860,593, A>G on the plus strand (T>C on the coding strand, the complement: NEU1 is on the minus strand). VCF-style: chr6-31860593-A-G. GRCh37 (hg19) VCF-style: chr6-31828370-A-G.
Other names: short protein forms L215P.
Identifiers: ClinVar variation 393239 (VCV000393239.2), dbSNP rs1057524852, ClinGen allele CA16604957.

ClinVar aggregate classification (germline): Uncertain significance (1 of 4 stars; one submission).

Submission:

GeneDx
Classification: Uncertain significance. Last evaluated: 2017-01-28. Review status: criteria provided, single submitter. Criteria: GeneDx Variant Classification (06012015). Collection method: clinical testing. Allele origin: germline. Affected: yes.
Comment: The L215P variant has not been published as a pathogenic variant, nor has it been reported as a benign variant to our knowledge. The L215P variant was not observed in approximately 6,500 individuals of European and African American ancestry in the NHLBI Exome Sequencing Project, indicating it is not a common benign variant in these populations. The L215P variant is a semi-conservative amino acid substitution, which may impact secondary protein structure as these residues differ in some properties. This substitution occurs at a position that is conserved across species, and in silico analysis predicts this variant is probably damaging to the protein structure/function. Therefore, based on the currently available information, it is unclear whether this variant is a pathogenic variant or a rare benign variant.